The following is an entry in ClinVar:

ClinVar aggregate classification (germline): Uncertain significance (1 of 4 stars; one submission).

Conditions:
Pitt-Hopkins-like syndrome 2 (PTHSL2). Identifiers: Orphanet 221150, Orphanet 600663, MedGen C3280479, MONDO:0013690, OMIM 614325.

Submission:

Labcorp Genetics (formerly Invitae), Labcorp
Classification: Uncertain significance for Pitt-Hopkins-like syndrome 2. Last evaluated: 2025-03-17. Review status: criteria provided, single submitter. Criteria: Invitae Variant Classification Sherloc (09022015). Collection method: clinical testing. Allele origin: germline.
Comment: This sequence change replaces arginine, which is basic and polar, with leucine, which is neutral and non-polar, at codon 144 of the NRXN1 protein (p.Arg144Leu). This variant is not present in population databases (gnomAD no frequency). This variant has not been reported in the literature in individuals affected with NRXN1-related conditions. ClinVar contains an entry for this variant (Variation ID: 2119020). An algorithm developed to predict the effect of missense changes on protein structure and function (PolyPhen-2) suggests that this variant is likely to be disruptive. In summary, the available evidence is currently insufficient to determine the role of this variant in disease. Therefore, it has been classified as a Variant of Uncertain Significance.

NM_001330078.2(NRXN1):c.431G>T (p.Arg144Leu)

Gene: NRXN1 (neurexin 1; minus strand). Cytogenetic location: 2p16.3.
Variant type: single nucleotide variant.
Coding change: c.431G>T on transcript NM_001330078.2 (MANE Select); coding-DNA position 431, G replaced by T.
Protein change: p.Arg144Leu; replaces arginine 144 with leucine.
Molecular consequence: missense variant.
Genome position (GRCh38, 1-based): chr2:51,027,843, C>A on the plus strand (G>T on the coding strand, the complement: NRXN1 is on the minus strand). VCF-style: chr2-51027843-C-A. GRCh37 (hg19) VCF-style: chr2-51254981-C-A.
Other names: c.431G>T, p.Arg144Leu (NM_001135659.3, NM_001330077.2, NM_001330079.2 and 15 more transcripts); short protein forms R144L.
Identifiers: ClinVar variation 2119020 (VCV002119020.4), dbSNP rs2105330436, ClinGen allele CA346824012.